The following is an entry in ClinVar:

ClinVar aggregate classification (germline): Uncertain significance. Review status: criteria provided, multiple submitters, no conflicts (2 of 4 stars). 2 submissions from 2 submitters: Uncertain significance (2). Last evaluated 2020-01-03.

Conditions:
Joubert syndrome 8 (JBTS8). Identifiers: Orphanet 475, MedGen C2676771, MONDO:0012855, OMIM 612291.

Allele frequency attached by ClinVar (database versions not stated): gnomAD exomes 0.00001 and 0.00002; TOPMed 0.00002; ExAC 0.00003; gnomAD 0.00004; ESP Exome Variant Server 0.00008.
gnomAD v4.1: 19 of 1,610,084 alleles (0.0012%); highest among the groups gnomAD compares: African/African-American, 0.011%; no homozygotes.

Submissions (2):

Labcorp Genetics (formerly Invitae), Labcorp
Classification: Uncertain significance for Joubert syndrome 8. Last evaluated: 2020-01-03. Review status: criteria provided, single submitter. Criteria: Invitae Variant Classification Sherloc (09022015). Collection method: clinical testing. Allele origin: germline.
Comment: This sequence change replaces arginine with glutamine at codon 358 of the ARL13B protein (p.Arg358Gln). The arginine residue is moderately conserved and there is a small physicochemical difference between arginine and glutamine. This variant is present in population databases (rs369942016, ExAC 0.02%). This variant has not been reported in the literature in individuals with ARL13B-related conditions. ClinVar contains an entry for this variant (Variation ID: 634456). Algorithms developed to predict the effect of missense changes on protein structure and function (SIFT, PolyPhen-2, Align-GVGD) all suggest that this variant is likely to be tolerated, but these predictions have not been confirmed by published functional studies and their clinical significance is uncertain. In summary, the available evidence is currently insufficient to determine the role of this variant in disease. Therefore, it has been classified as a Variant of Uncertain Significance.

Genomic Research Center, Shahid Beheshti University of Medical Sciences
Classification: Uncertain significance for Joubert syndrome 8. Last evaluated: 2019-01-01. Review status: criteria provided, single submitter. Criteria: ACMG Guidelines, 2015. Collection method: research. Allele origin: unknown. Affected: no. Observed: 1 variant allele.

NM_001174150.2(ARL13B):c.1073G>A (p.Arg358Gln)

Gene: ARL13B (ARF like GTPase 13B; plus strand). Cytogenetic location: 3q11.2.
Variant type: single nucleotide variant.
Coding change: c.1073G>A on transcript NM_001174150.2 (MANE Select); coding-DNA position 1073, G replaced by A.
Protein change: p.Arg358Gln; replaces arginine 358 with glutamine.
Molecular consequence: missense variant. On other transcripts: non-coding transcript variant (2).
Genome position (GRCh38, 1-based): chr3:94,049,454, G>A. VCF-style: chr3-94049454-G-A. GRCh37 (hg19) VCF-style: chr3-93768298-G-A.
Other names: c.764G>A, p.Arg255Gln (NM_001174151.2); c.1028G>A, p.Arg343Gln (NM_001321328.2); c.752G>A, p.Arg251Gln (NM_144996.4); c.1073G>A, p.Arg358Gln (NM_182896.3); short protein forms R358Q, R251Q, R255Q, R343Q.
Identifiers: ClinVar variation 634456 (VCV000634456.5), dbSNP rs369942016, ClinGen allele CA2504253.
Genomic context (GRCh38, chr3:94,049,454, plus strand): 5'-ATATTCTTGTAGCTAATGGTAAAAAGAAAACTAAGAAACTAAGAATGAAAAGGAACCACC[G>A]GGTAGAACCACTTAATATAGATGACTGTGCTCCTGAGAGTCCAACGCCACCCCCACCCCC-3'
Protein context (NP_001167621.1, residues 348-368): TKKLRMKRNH[Arg358Gln]VEPLNIDDCA